The following is an entry in ClinVar:

NM_032444.4(SLX4):c.3902G>T (p.Gly1301Val)

Gene: SLX4 (SLX4 structure-specific endonuclease subunit; minus strand). Cytogenetic location: 16p13.3.
Variant type: single nucleotide variant.
Coding change: c.3902G>T on transcript NM_032444.4 (MANE Select); coding-DNA position 3902, G replaced by T.
Protein change: p.Gly1301Val; replaces glycine 1301 with valine.
Molecular consequence: missense variant.
Genome position (GRCh38, 1-based): chr16:3,589,736, C>A on the plus strand (G>T on the coding strand, the complement: SLX4 is on the minus strand). VCF-style: chr16-3589736-C-A. GRCh37 (hg19) VCF-style: chr16-3639737-C-A.
Other names: short protein forms G1301V.
Identifiers: ClinVar variation 1337988 (VCV001337988.11), dbSNP rs1307466531, ClinGen allele CA394518938.
Genomic context (GRCh38, chr16:3,589,736, plus strand): 5'-GGTGTCTGGGGCGGTGGTGTCTGGGGCCTGATGACAGAAAACTTCTGTGCGACTTCGTTC[C>A]CTTCCCTGTTTCCTACTGAGGCCCTGGGCGTGTGCTGAGTCACCGCCTGCACGGCCAGCC-3'
Protein context (NP_115820.2, residues 1291-1311): TPRASVGNRE[Gly1301Val]NEVAQKFSVI

ClinVar aggregate classification (germline): Uncertain significance. Review status: criteria provided, multiple submitters, no conflicts (2 of 4 stars). 2 submissions from 2 submitters: Uncertain significance (2). Last evaluated 2021-06-17.

Conditions:
Fanconi anemia (FA). Also called: Fanconi's anemia. Identifiers: Orphanet 84, MedGen C0015625, MeSH D005199, MONDO:0019391.

Submissions (2):

Genetic Services Laboratory, University of Chicago
Classification: Uncertain significance. Last evaluated: 2021-06-17. Review status: criteria provided, single submitter. Criteria: ACMG Guidelines, 2015. Collection method: clinical testing. Allele origin: germline. Affected: no.
Comment: This sequence change is absent from known population databases (gnomAD). The p.Gly1301Val change affects a poorly conserved amino acid residue located in a domain of the SLX4 protein that is not known to be functional. The p.Gly1301Val substitution appears to be tolerated using several in-silico pathogenicity prediction tools (SIFT, PolyPhen2, Align GVGD, REVEL). This sequence change does not appear to have been previously described in patients with SLX4-related disorders. Due to the lack of sufficient evidences, the clinical significance of the p.Gly1301Val change remains unknown at this time.

Labcorp Genetics (formerly Invitae), Labcorp
Classification: Uncertain significance for Fanconi anemia. Last evaluated: 2021-03-12. Review status: criteria provided, single submitter. Criteria: Invitae Variant Classification Sherloc (09022015). Collection method: clinical testing. Allele origin: germline.
Comment: In summary, the available evidence is currently insufficient to determine the role of this variant in disease. Therefore, it has been classified as a Variant of Uncertain Significance. Algorithms developed to predict the effect of missense changes on protein structure and function output the following: SIFT: "Tolerated"; PolyPhen-2: "Benign"; Align-GVGD: "Class C0". The valine amino acid residue is found in multiple mammalian species, suggesting that this missense change does not adversely affect protein function. These predictions have not been confirmed by published functional studies and their clinical significance is uncertain. This variant has not been reported in the literature in individuals with SLX4-related conditions. This variant is not present in population databases (ExAC no frequency). This sequence change replaces glycine with valine at codon 1301 of the SLX4 protein (p.Gly1301Val). The glycine residue is weakly conserved and there is a moderate physicochemical difference between glycine and valine.